The following is an entry in ClinVar:

ClinVar aggregate classification (germline): Pathogenic (0 of 4 stars; one submission).

Conditions:
Fanconi anemia complementation group A (FANCA). Also called: Fanconi anemia, group A; FANCA-Related Fanconi Anemia. Identifiers: Orphanet 84, MedGen C3469521, MONDO:0009215, OMIM 227650.

Submission:

Leiden Open Variation Database
Classification: Pathogenic for Fanconi anemia complementation group A. Last evaluated: 2020-02-28. Review status: no assertion criteria provided. Collection method: curation. Allele origin: germline. Affected: yes.
Comment: Curator: Arleen D. Auerbach. Submitters to LOVD: Johan de Winter, Sue Richards.

Literature cited by the submitters: PubMed 17924555; PubMed 22778927.

NC_000016.10:g.(89746891_89748658)_(89796019_89799165)del

Gene: FANCA (FA complementation group A; minus strand). Cytogenetic location: 16q24.3.
Variant type: Deletion.
Identifiers: ClinVar variation 974212 (VCV000974212.1).